The following is an entry in ClinVar:

ClinVar aggregate classification (germline): Benign. Review status: criteria provided, single submitter (1 of 4 stars). 2 submissions from 2 submitters: Benign (1). 1 of the submissions does not count toward it. Last evaluated 2025-11-19.

Conditions:
DVL1-related disorder. Also called: DVL1-related condition.

Allele frequency attached by ClinVar (database versions not stated): gnomAD 0.00004; gnomAD exomes 0.00007 and 0.00034; TOPMed 0.00011; ExAC 0.00021.
gnomAD v4.1: 104 of 1,613,608 alleles (0.0064%); highest among the groups gnomAD compares: Admixed American, 0.17%; no homozygotes.

Submissions (2):

Labcorp Genetics (formerly Invitae), Labcorp
Classification: Benign. Last evaluated: 2025-11-19. Review status: criteria provided, single submitter. Criteria: Invitae Variant Classification Sherloc (09022015). Collection method: clinical testing. Allele origin: germline.

PreventionGenetics, part of Exact Sciences
Classification: Likely benign for DVL1-related condition. Last evaluated: 2022-08-29. Review status: no assertion criteria provided. Collection method: clinical testing. Allele origin: germline. Not counted in ClinVar's aggregate classification.
Comment: This variant is classified as likely benign based on ACMG/AMP sequence variant interpretation guidelines (Richards et al. 2015 PMID: 25741868, with internal and published modifications).

NM_001330311.2(DVL1):c.770-6C>T

Gene: DVL1 (dishevelled segment polarity protein 1; minus strand). Cytogenetic location: 1p36.33.
Variant type: single nucleotide variant.
Coding change: c.770-6C>T on transcript NM_001330311.2 (MANE Select); 6 bases into the intron before coding-DNA position 770, C replaced by T.
Molecular consequence: intron variant.
Genome position (GRCh38, 1-based): chr1:1,340,183, G>A on the plus strand (C>T on the coding strand, the complement: DVL1 is on the minus strand). VCF-style: chr1-1340183-G-A. GRCh37 (hg19) VCF-style: chr1-1275563-G-A.
Other names: c.770-6C>T (NM_004421.3).
Identifiers: ClinVar variation 724623 (VCV000724623.10), dbSNP rs760294970, ClinGen allele CA520417.